The following is an entry in ClinVar:

ClinVar aggregate classification (germline): Pathogenic (1 of 4 stars; one submission).

Conditions:
Osteogenesis imperfecta with normal sclerae, dominant form (OI4). Also called: OSTEOGENESIS IMPERFECTA, TYPE IV, WITH DENTINOGENESIS IMPERFECTA; OSTEOGENESIS IMPERFECTA WITH NORMAL SCLERAE; Osteogenesis imperfecta type 4; Common Variable Osteogenesis Imperfecta with Normal Sclerae; Osteogenesis Imperfecta Type IV. Identifiers: Orphanet 216820, Orphanet 666, MedGen C0268363, MONDO:0008148, OMIM 166220.

Submission:

Clinical Biomedical Laboratory, Shriners Hospital For Children - Canada
Classification: Pathogenic for Osteogenesis imperfecta with normal sclerae, dominant form. Last evaluated: 2025-05-23. Review status: criteria provided, single submitter. Criteria: ACMG Guidelines, 2015. Collection method: clinical testing. Allele origin: germline. Affected: yes.
Comment: This variant is predicted to introduce an in-frame deletion of a glycine residue in the alpha 1 chain of collagen type I. Heterozygous in-frame deletions in COL1A1 change the register of the alpha 1 chain during triple helical formation and are a typical cause of osteogenesis imperfecta. This variant is absent from the Genome Aggregation Database (v2.1.1).

NM_000088.4(COL1A1):c.2515_2517del (p.Gly839del)

Gene: COL1A1 (collagen type I alpha 1 chain; minus strand). Cytogenetic location: 17q21.33.
Variant type: Deletion.
Coding change: c.2515_2517del on transcript NM_000088.4 (MANE Select); coding-DNA positions 2515 to 2517, 3 bases deleted (GGT; older notation c.2515_2517delGGT).
Protein change: p.Gly839del; deletes glycine 839.
Molecular consequence: inframe deletion.
Genome position (GRCh38, 1-based): chr17:50,190,043-50,190,045, ACC deleted on the plus strand (GGT on the coding strand, the reverse complement: COL1A1 is on the minus strand); deleting any 3 consecutive bases within chr17:50,190,043-50,190,046 gives the same sequence; the c. name uses the placement nearest the transcript's 3' end. VCF-style (leftmost placement, unchanged base first): chr17-50190042-GACC-G. GRCh37 (hg19) VCF-style: chr17-48267403-GACC-G.
Other names: short protein forms G839del.
Identifiers: ClinVar variation 3902829 (VCV003902829.1).